The following is an entry in ClinVar:

NM_015045.5(WAPL):c.1901C>T (p.Thr634Ile)

Gene: WAPL (WAPL cohesin release factor; minus strand). Cytogenetic location: 10q23.2.
Variant type: single nucleotide variant.
Coding change: c.1901C>T on transcript NM_015045.5 (MANE Select); coding-DNA position 1901, C replaced by T.
Protein change: p.Thr634Ile; replaces threonine 634 with isoleucine.
Molecular consequence: missense variant.
Genome position (GRCh38, 1-based): chr10:86,472,337, G>A on the plus strand (C>T on the coding strand, the complement: WAPL is on the minus strand). VCF-style: chr10-86472337-G-A. GRCh37 (hg19) VCF-style: chr10-88232094-G-A.
Other names: c.1883C>T, p.Thr628Ile (NM_001318328.2); short protein forms T628I, T634I.
Identifiers: ClinVar variation 4975105 (VCV004975105.1).

ClinVar aggregate classification (germline): Uncertain significance (1 of 4 stars; one submission).

gnomAD v4.1: 1 of 1,587,450 alleles (0.000063%); highest among the groups gnomAD compares: Non-Finnish European, 0.000085%; no homozygotes.

Submission:

GeneDx
Classification: Uncertain significance. Last evaluated: 2025-01-21. Review status: criteria provided, single submitter. Criteria: GeneDx Variant Classification Process June 2021. Collection method: clinical testing. Allele origin: germline.
Comment: Not observed at significant frequency in large population cohorts (gnomAD); In silico analysis supports that this missense variant has a deleterious effect on protein structure/function; Has not been previously published as pathogenic or benign to our knowledge; Variants in candidate genes are classified as variants of uncertain significance in accordance with ACMG guidelines (PMID: 25741868)